The following is an entry in ClinVar:

ClinVar aggregate classification (germline): Uncertain significance (1 of 4 stars; one submission).

Submission:

GeneDx
Classification: Uncertain significance. Last evaluated: 2019-03-29. Review status: criteria provided, single submitter. Criteria: GeneDx Variant Classification Process June 2021. Collection method: clinical testing. Allele origin: germline. Affected: yes.
Comment: Not observed in large population cohorts (Lek et al., 2016); In silico analysis, which includes protein predictors and evolutionary conservation, supports that this variant does not alter protein structure/function; Has not been previously published as pathogenic or benign to our knowledge

NM_001384732.1(CPLANE1):c.9473A>C (p.Lys3158Thr)

Gene: CPLANE1 (ciliogenesis and planar polarity effector complex subunit 1; minus strand). Cytogenetic location: 5p13.2.
Variant type: single nucleotide variant.
Coding change: c.9473A>C on transcript NM_001384732.1 (MANE Select); coding-DNA position 9473, A replaced by C.
Protein change: p.Lys3158Thr; replaces lysine 3158 with threonine.
Molecular consequence: missense variant.
Genome position (GRCh38, 1-based): chr5:37,108,399, T>G on the plus strand (A>C on the coding strand, the complement: CPLANE1 is on the minus strand). VCF-style: chr5-37108399-T-G. GRCh37 (hg19) VCF-style: chr5-37108501-T-G.
Other names: c.9311A>C, p.Lys3104Thr (NM_023073.4); short protein forms K3104T, K3158T.
Identifiers: ClinVar variation 1302639 (VCV001302639.2), dbSNP rs1758150788, ClinGen allele CA359490032.